The following is an entry in ClinVar:

ClinVar aggregate classification (germline): Uncertain significance (1 of 4 stars; one submission).

Conditions:
Landau-Kleffner syndrome (FESD). Also called: EPILEPSY, FOCAL, WITH SPEECH DISORDER AND WITH OR WITHOUT MENTAL RETARDATION; APHASIA, ACQUIRED, WITH EPILEPSY. Identifiers: Orphanet 1945, Orphanet 725, Orphanet 98818, MedGen C0282512, MONDO:0009509, OMIM 245570.

Submission:

Institute of Human Genetics, University of Leipzig Medical Center
Classification: Uncertain significance for Landau-Kleffner syndrome. Last evaluated: 2024-08-13. Review status: criteria provided, single submitter. Criteria: ACMG Guidelines, 2015. Collection method: clinical testing. Allele origin: unknown. Inheritance: Autosomal dominant inheritance. Affected: yes.
Comment: Criteria applied: PM2,PP3,PP2

NM_001134407.3(GRIN2A):c.2251G>T (p.Gly751Trp)

Gene: GRIN2A (glutamate ionotropic receptor NMDA type subunit 2A; minus strand). Cytogenetic location: 16p13.2.
Variant type: single nucleotide variant.
Coding change: c.2251G>T on transcript NM_001134407.3 (MANE Select); coding-DNA position 2251, G replaced by T.
Protein change: p.Gly751Trp; replaces glycine 751 with tryptophan.
Molecular consequence: missense variant.
Genome position (GRCh38, 1-based): chr16:9,798,382, C>A on the plus strand (G>T on the coding strand, the complement: GRIN2A is on the minus strand). VCF-style: chr16-9798382-C-A. GRCh37 (hg19) VCF-style: chr16-9892239-C-A.
Other names: c.2251G>T, p.Gly751Trp (NM_000833.5, NM_001134408.2); short protein forms G751W.
Identifiers: ClinVar variation 3359055 (VCV003359055.2).